The following is an entry in ClinVar:

NM_005334.3(HCFC1):c.4217C>T (p.Ala1406Val)

Gene: HCFC1 (host cell factor C1; minus strand). Cytogenetic location: Xq28.
Variant type: single nucleotide variant.
Coding change: c.4217C>T on transcript NM_005334.3 (MANE Select); coding-DNA position 4217, C replaced by T.
Protein change: p.Ala1406Val; replaces alanine 1406 with valine.
Molecular consequence: missense variant.
Genome position (GRCh38, 1-based): chrX:153,954,182, G>A on the plus strand (C>T on the coding strand, the complement: HCFC1 is on the minus strand). VCF-style: chrX-153954182-G-A. GRCh37 (hg19) VCF-style: chrX-153219633-G-A.
Other names: c.4217C>T, p.Ala1406Val (NM_001410705.1); c.4217C>T (NM_005334.2); short protein forms A1406V.
Identifiers: ClinVar variation 2698610 (VCV002698610.5), dbSNP rs782239008, ClinGen allele CA10557051.

ClinVar aggregate classification (germline): Conflicting classifications of pathogenicity. Review status: criteria provided, conflicting classifications (1 of 4 stars). 3 submissions from 3 submitters: Uncertain significance (2); Likely benign (1). Last evaluated 2025-05-12.

Conditions:
Methylmalonic acidemia with homocystinuria, type cblX (MAHCX). Also called: INTELLECTUAL DEVELOPMENTAL DISORDER, X-LINKED 3. Identifiers: Orphanet 369962, MedGen C0796208, MONDO:0010657, OMIM 309541.

Allele frequency attached by ClinVar (database versions not stated): TOPMed below 0.00001; gnomAD exomes 0.00001; gnomAD 0.00002; ExAC 0.00004.
gnomAD v4.1: 10 of 1,206,484 alleles (0.00083%); highest among the groups gnomAD compares: Middle Eastern, 0.023%; no homozygotes.

Submissions (3):

Women's Health and Genetics/Laboratory Corporation of America, LabCorp
Classification: Uncertain significance. Last evaluated: 2025-05-12. Review status: criteria provided, single submitter. Criteria: LabCorp Variant Classification Summary - May 2015. Collection method: clinical testing. Allele origin: germline.
Comment: Variant summary: HCFC1 c.4217C>T (p.Ala1406Val) results in a non-conservative amino acid change in the encoded protein sequence. Algorithms developed to predict the effect of missense changes on protein structure and function are either unavailable or do not agree on the potential impact of this missense change. The variant allele was found at a frequency of 2.2e-05 in 179615 control chromosomes. The available data on variant occurrences in the general population are insufficient to allow any conclusion about variant significance. c.4217C>T has been observed in at least one hemizygous individual affected with occipital lobe epilepsy (e.g. He_2023). These report(s) do not provide unequivocal conclusions about association of the variant with Methylmalonic Acidemia With Homocystinuria. One publication reports experimental evidence evaluating an impact on protein function, however, does not allow convincing conclusions about the variant effect (e.g. He_2023). ClinVar contains an entry for this variant (Variation ID: 2698610). Based on the evidence outlined above, the variant was classified as uncertain significance.

Labcorp Genetics (formerly Invitae), Labcorp
Classification: Likely benign for Methylmalonic acidemia with homocystinuria, type cblX. Last evaluated: 2024-03-29. Review status: criteria provided, single submitter. Criteria: Invitae Variant Classification Sherloc (09022015). Collection method: clinical testing. Allele origin: germline.

Victorian Clinical Genetics Services, Murdoch Childrens Research Institute
Classification: Uncertain significance for Methylmalonic acidemia with homocystinuria, type cblX. Last evaluated: 2023-07-17. Review status: criteria provided, single submitter. Criteria: ACMG Guidelines, 2015. Collection method: clinical testing. Allele origin: germline. Inheritance: X-linked recessive inheritance.
Comment: Based on the classification scheme VCGS_Germline_v1.3.4, this variant is classified as VUS-3B. Following criteria are met: 0102 - Loss of function is a mechanism of disease in this gene; reported for missense variants and is associated with methylmalonic aciduria and homocysteinemia, cblX type (MIM#309541). (I) 0109 - This gene is associated with X-linked recessive disease. (I) 0200 - Variant is predicted to result in a missense amino acid change from alanine to valine. (I) 0251 - This variant is heterozygous. (I) 0304 - Variant is present in gnomAD (v2 + v3 (non-v2)) <0.01 for a recessive condition (4 heterozygotes, 2 hemizygotes, 0 homozygotes). (SP) 0309 - An alternative amino acid change at the same position has been observed in gnomAD (v2) (p.(Ala1406Thr): 1 heterozygotes, 1 hemizygote, 0 homozygotes). (I) 0504 - Same amino acid change has been observed in placental mammals. (SB) 0600 - Variant is located in the annotated proteolysis domain (PMID: 37264743). (I) 0803 - This variant has limited previous evidence of pathogenicity in an unrelated individual. (SP) 0905 - No published segregation evidence has been identified for this variant. (I) 1002 - This variant has limited functional evidence supporting abnormal protein function. The p.(Ala1406Val) mutant construct transfected into HEK293T cells demonstrated loss of growth suppression; however, there was no significant effect on proteolytic processing, downstream MMACHC expression or nuclear localization compared to WT cells. As such, the contribution of the variant to the phenotype is currently unclear (PMID: 37264743). (I) 0705 - No comparable missense variants have previous evidence for pathogenicity. (I) Legend: (SP) - Supporting pathogenic, (I) - Information, (SB) - Supporting benign

Literature cited by the submitters: PubMed 37264743 (cited by Women's Health and Genetics/Laboratory Corporation of America, LabCorp and Victorian Clinical Genetics Services, Murdoch Childrens Research Institute).